The following is an entry in ClinVar:

NM_004285.4(H6PD):c.1090G>A (p.Glu364Lys)

Gene: H6PD (hexose-6-phosphate dehydrogenase/glucose 1-dehydrogenase; plus strand). Cytogenetic location: 1p36.22.
Variant type: single nucleotide variant.
Coding change: c.1090G>A on transcript NM_004285.4 (MANE Select); coding-DNA position 1090, G replaced by A.
Protein change: p.Glu364Lys; replaces glutamic acid 364 with lysine.
Molecular consequence: missense variant.
Genome position (GRCh38, 1-based): chr1:9,263,583, G>A. VCF-style: chr1-9263583-G-A. GRCh37 (hg19) VCF-style: chr1-9323642-G-A.
Other names: c.1123G>A, p.Glu375Lys (NM_001282587.2); c.1090G>A (NM_004285.3); short protein forms E364K, E375K.
Identifiers: ClinVar variation 1399179 (VCV001399179.9), dbSNP rs146809075, ClinGen allele CA575194.

ClinVar aggregate classification (germline): Uncertain significance. Review status: criteria provided, multiple submitters, no conflicts (2 of 4 stars). 3 submissions from 3 submitters: Uncertain significance (3). Last evaluated 2025-06-06.

Conditions:
Inborn genetic diseases. Identifiers: MedGen C0950123, MeSH D030342.

Allele frequency attached by ClinVar (database versions not stated): gnomAD 0.00012; TOPMed 0.00015; 1000 Genomes Project 30x 0.00016; ExAC 0.00018; 1000 Genomes Project 0.00020; ESP Exome Variant Server 0.00023.
gnomAD v4.1: 179 of 1,614,184 alleles (0.011%); highest among the groups gnomAD compares: South Asian, 0.02%; 1 homozygote.

Submissions (3):

GeneDx
Classification: Uncertain significance. Last evaluated: 2025-06-06. Review status: criteria provided, single submitter. Criteria: GeneDx Variant Classification Process June 2021. Collection method: clinical testing. Allele origin: germline. Affected: yes.
Comment: In silico analysis supports that this missense variant has a deleterious effect on protein structure/function; Has not been previously published as pathogenic or benign to our knowledge

Labcorp Genetics (formerly Invitae), Labcorp
Classification: Uncertain significance. Last evaluated: 2024-08-12. Review status: criteria provided, single submitter. Criteria: Invitae Variant Classification Sherloc (09022015). Collection method: clinical testing. Allele origin: germline.
Comment: This sequence change replaces glutamic acid, which is acidic and polar, with lysine, which is basic and polar, at codon 364 of the H6PD protein (p.Glu364Lys). This variant is present in population databases (rs146809075, gnomAD 0.02%). This variant has not been reported in the literature in individuals affected with H6PD-related conditions. ClinVar contains an entry for this variant (Variation ID: 1399179). Advanced modeling of protein sequence and biophysical properties (such as structural, functional, and spatial information, amino acid conservation, physicochemical variation, residue mobility, and thermodynamic stability) has been performed at Invitae for this missense variant, however the output from this modeling did not meet the statistical confidence thresholds required to predict the impact of this variant on H6PD protein function. In summary, the available evidence is currently insufficient to determine the role of this variant in disease. Therefore, it has been classified as a Variant of Uncertain Significance.

Ambry Genetics
Classification: Uncertain significance for Inborn genetic diseases. Last evaluated: 2024-06-18. Review status: criteria provided, single submitter. Criteria: Ambry Variant Classification Scheme 2023. Collection method: clinical testing. Allele origin: germline.